The following is an entry in ClinVar:

ClinVar aggregate classification (germline): Pathogenic (1 of 4 stars; one submission).

Allele frequency attached by ClinVar (database versions not stated): gnomAD exomes below 0.00001; TOPMed 0.00002.

Submission:

Labcorp Genetics (formerly Invitae), Labcorp
Classification: Pathogenic. Last evaluated: 2018-11-07. Review status: criteria provided, single submitter. Criteria: Invitae Variant Classification Sherloc (09022015). Collection method: clinical testing. Allele origin: germline.
Comment: This variant is a deletion of the genomic region encompassing part of exon 8 (c.965-1_976delinsACCGAAAATTTT) of the SLC12A3 gene. It is expected to disrupt RNA splicing and likely results in an absent or disrupted protein product. This variant has been observed in individuals with Gitelman syndrome (PMID: 18580052, 28162179). It has also been called "c.965-1_969delGCGGACinsACCGAAA & c.976_977delGT" and "Intron 7–1 G>A & Ex8 nt +1 to +12 delCGGACATTTTTGinsCCGAAAATTTT" in the literature. Loss-of-function variants in SLC12A3 are known to be pathogenic (PMID: 20848653, 22009145, 25841442). For these reasons, this variant has been classified as Pathogenic.

Literature cited by the submitters: PubMed 18580052; PubMed 28162179; PubMed 20848653; PubMed 22009145; PubMed 25841442.

NM_001126108.2(SLC12A3):c.976del (p.Val326fs)

Gene: SLC12A3 (solute carrier family 12 member 3; plus strand). Cytogenetic location: 16q13.
Variant type: Deletion.
Coding change: c.976del on transcript NM_001126108.2 (MANE Select); coding-DNA position 976, one base deleted (G; older notation c.976delG).
Protein change: p.Val326fs; shifts the reading frame from valine 326.
Molecular consequence: frameshift variant.
Genome position (GRCh38, 1-based): chr16:56,872,667, G deleted. VCF-style (leftmost placement, unchanged base first): chr16-56872666-TG-T. GRCh37 (hg19) VCF-style: chr16-56906578-TG-T.
Other names: c.976del, p.Val326fs (NM_000339.3); c.973del, p.Val325fs (NM_001126107.2); c.976del (NM_000339.2); short protein forms V325fs, V326fs.
Identifiers: ClinVar variation 651227 (VCV000651227.5), dbSNP rs1215667472, ClinGen allele CA722006922.